The following is an entry in ClinVar:

NM_201384.3(PLEC):c.113-3C>A

Gene: PLEC (plectin; minus strand). Cytogenetic location: 8q24.3.
Variant type: single nucleotide variant.
Coding change: c.113-3C>A on transcript NM_201384.3 (MANE Select); 3 bases into the intron before coding-DNA position 113, C replaced by A.
Molecular consequence: intron variant.
Genome position (GRCh38, 1-based): chr8:143,938,695, G>T on the plus strand (C>A on the coding strand, the complement: PLEC is on the minus strand). VCF-style: chr8-143938695-G-T. GRCh37 (hg19) VCF-style: chr8-145012863-G-T.
Other names: c.194-3C>A (NM_000445.5); c.71-3C>A (NM_201378.4); c.47-3C>A (NM_201379.3); c.524-3C>A (NM_201380.4); c.17-3C>A (NM_201381.3); c.113-3C>A (NM_201382.4); c.125-3C>A (NM_201383.3).
Identifiers: ClinVar variation 645491 (VCV000645491.4), dbSNP rs1587225364, ClinGen allele CA915947430.
Genomic context (GRCh38, chr8:143,938,695, plus strand): 5'-ATGAGGTGCTTGTTGACCCACTTGGTGAAGGTTTTCTTCTGCACACGATCCCGCTCATCT[G>T]GGGGAGACAAGACCAGCTTACCTGGGGCCTGGGAGAAGCCCCGGGGGCCCTCAGGTGACC-3'

ClinVar aggregate classification (germline): Uncertain significance (1 of 4 stars; one submission).

Conditions:
Epidermolysis bullosa simplex, Ogna type (EBS5A). Also called: Pidermolysis bullosa simplex 5A, Ogna type; EPIDERMOLYSIS BULLOSA SIMPLEX 5A, OGNA TYPE. Identifiers: Orphanet 79401, MedGen C0432317, MONDO:0007555, OMIM 131950.
Autosomal recessive limb-girdle muscular dystrophy type 2Q (LGMDR17). Also called: MUSCULAR DYSTROPHY, LIMB-GIRDLE, AUTOSOMAL RECESSIVE 17. Identifiers: Orphanet 254361, MedGen C3150989, MONDO:0013390, OMIM 613723.
Epidermolysis bullosa simplex with nail dystrophy (EBS5D). Identifiers: MedGen C4225309, MONDO:0014661, OMIM 616487.
Epidermolysis bullosa simplex 5B, with muscular dystrophy (EBS5B). Also called: Epidermolysis bullosa simplex with muscular dystrophy; EPIDERMOLYSIS BULLOSA SIMPLEX AND LIMB-GIRDLE MUSCULAR DYSTROPHY. Identifiers: Orphanet 257, MedGen C2931072, MONDO:0009181, OMIM 226670.
Epidermolysis bullosa simplex 5C, with pyloric atresia (EBS5C). Also called: PLEC-Related Epidermolysis Bullosa with Pyloric Atresia; Epidermolysis bullosa simplex with pyloric atresia; PLEC1-Related Epidermolysis Bullosa with Pyloric Atresia. Identifiers: Orphanet 158684, MedGen C2677349, MONDO:0012807, OMIM 612138.

Allele frequency attached by ClinVar (database versions not stated): gnomAD exomes below 0.00001; TOPMed 0.00001.
gnomAD v4.1: 2 of 1,613,512 alleles (0.00012%); highest among the groups gnomAD compares: Admixed American, 0.0017%; no homozygotes.

Submission:

Labcorp Genetics (formerly Invitae), Labcorp
Classification: Uncertain significance for Autosomal recessive limb-girdle muscular dystrophy type 2Q; Epidermolysis bullosa simplex, Ogna type; Epidermolysis bullosa simplex with nail dystrophy; Epidermolysis bullosa simplex 5C, with pyloric atresia; Epidermolysis bullosa simplex 5B, with muscular dystrophy. Last evaluated: 2025-11-01. Review status: criteria provided, single submitter. Criteria: Invitae Variant Classification Sherloc (09022015). Collection method: clinical testing. Allele origin: germline.
Comment: This sequence change falls in intron 2 of the PLEC gene. It does not directly change the encoded amino acid sequence of the PLEC protein. It affects a nucleotide within the consensus splice site. This variant is not present in population databases (gnomAD no frequency). This variant has not been reported in the literature in individuals affected with PLEC-related conditions. ClinVar contains an entry for this variant (Variation ID: 645491). Variants that disrupt the consensus splice site are a relatively common cause of aberrant splicing (PMID: 17576681, 9536098). Algorithms developed to predict the effect of sequence changes on RNA splicing suggest that this variant may disrupt the consensus splice site. In summary, the available evidence is currently insufficient to determine the role of this variant in disease. Therefore, it has been classified as a Variant of Uncertain Significance.

Literature cited by the submitters: PubMed 17576681; PubMed 9536098.